The following is an entry in ClinVar:

NM_000304.4(PMP22):c.256C>T (p.Gln86Ter)

Gene: PMP22 (peripheral myelin protein 22; minus strand). Cytogenetic location: 17p12.
Variant type: single nucleotide variant.
Coding change: c.256C>T on transcript NM_000304.4 (MANE Select); coding-DNA position 256, C replaced by T.
Protein change: p.Gln86Ter; replaces glutamine 86 with a stop codon.
Molecular consequence: nonsense. On other transcripts: non-coding transcript variant (2).
Genome position (GRCh38, 1-based): chr17:15,239,534, G>A on the plus strand (C>T on the coding strand, the complement: PMP22 is on the minus strand). VCF-style: chr17-15239534-G-A. GRCh37 (hg19) VCF-style: chr17-15142851-G-A.
Other names: c.256C>T, p.Gln86Ter (NM_001281455.2, NM_001281456.2, NM_001330143.2 and 2 more transcripts); short protein forms Q86*.
Identifiers: ClinVar variation 637389 (VCV000637389.6), dbSNP rs11545341, ClinGen allele CA398267972.

ClinVar aggregate classification (germline): Pathogenic. Review status: criteria provided, multiple submitters, no conflicts (2 of 4 stars). 3 submissions from 3 submitters: Pathogenic (2). 1 of the submissions does not count toward it. Last evaluated 2025-09-03.

Conditions:
Charcot-Marie-Tooth disease. Also called: Charcot-Marie-Tooth Hereditary Neuropathy; Charcot-Marie-Tooth Neuropathy. Identifiers: Orphanet 166, MedGen C0007959, MONDO:0015626.
Charcot-Marie-Tooth disease, type I (CMT1). Also called: Charcot-Marie-Tooth disease type 1; Charcot-Marie-Tooth, Type 1. Identifiers: Orphanet 65753, MedGen C0751036, MONDO:0019011.

Submissions (3):

Labcorp Genetics (formerly Invitae), Labcorp
Classification: Pathogenic for Charcot-Marie-Tooth disease, type I. Last evaluated: 2025-09-03. Review status: criteria provided, single submitter. Criteria: Invitae Variant Classification Sherloc (09022015). Collection method: clinical testing. Allele origin: germline.
Comment: This sequence change creates a premature translational stop signal (p.Gln86*) in the PMP22 gene. It is expected to result in an absent or disrupted protein product. Loss-of-function variants in PMP22 are known to be pathogenic (PMID: 23224996). This variant is not present in population databases (gnomAD no frequency). This premature translational stop signal has been observed in individual(s) with Charcot-Marie-Tooth disease (PMID: 12402337, 29127354). ClinVar contains an entry for this variant (Variation ID: 637389). For these reasons, this variant has been classified as Pathogenic.

Athena Diagnostics
Classification: Pathogenic. Last evaluated: 2018-12-31. Review status: criteria provided, single submitter. Criteria: Athena Diagnostics Criteria. Collection method: clinical testing. Allele origin: germline.
Comment: The variant creates a premature nonsense codon, and is therefore predicted to result in the loss of a functional protein. Found in at least one symptomatic patient, and not found in general population data.

Inherited Neuropathy Consortium
Classification: Pathogenic for Charcot-Marie-Tooth disease. Review status: no assertion criteria provided. Collection method: literature only. Allele origin: germline. Affected: yes. Not counted in ClinVar's aggregate classification.

Literature cited by the submitters: PubMed 23224996 (cited by Labcorp Genetics (formerly Invitae), Labcorp); PubMed 12402337 (cited by 3 submitters); PubMed 29127354 (cited by Labcorp Genetics (formerly Invitae), Labcorp and Athena Diagnostics); PubMed 25525159 (cited by Athena Diagnostics).